The following is an entry in ClinVar:

ClinVar aggregate classification (germline): Uncertain significance (1 of 4 stars; one submission).

Conditions:
Cardiovascular phenotype. Identifiers: MedGen CN230736.

Allele frequency attached by ClinVar (database versions not stated): gnomAD exomes below 0.00001; ExAC 0.00001; gnomAD 0.00001.
gnomAD v4.1: 3 of 1,613,812 alleles (0.00019%); highest among the groups gnomAD compares: Admixed American, 0.0017%; no homozygotes.

Submission:

Ambry Genetics
Classification: Uncertain significance for Cardiovascular phenotype. Last evaluated: 2023-04-27. Review status: criteria provided, single submitter. Criteria: Ambry Variant Classification Scheme 2023. Collection method: clinical testing. Allele origin: germline.
Comment: The p.R200Q variant (also known as c.599G>A), located in coding exon 1 of the LOX gene, results from a G to A substitution at nucleotide position 599. The arginine at codon 200 is replaced by glutamine, an amino acid with highly similar properties. This amino acid position is highly conserved in available vertebrate species. In addition, this alteration is predicted to be tolerated by in silico analysis. Since supporting evidence is limited at this time, the clinical significance of this alteration remains unclear.

NM_002317.7(LOX):c.599G>A (p.Arg200Gln)

Genes: SRFBP1 (serum response factor binding protein 1; plus strand), LOX (lysyl oxidase; minus strand). Cytogenetic location: 5q23.1.
Variant type: single nucleotide variant.
Coding change: c.599G>A on transcript NM_002317.7 (MANE Select); coding-DNA position 599, G replaced by A.
Protein change: p.Arg200Gln; replaces arginine 200 with glutamine.
Molecular consequence: missense variant.
Genome position (GRCh38, 1-based): chr5:122,077,387, C>T on the plus strand (G>A on the coding strand, the complement: LOX is on the minus strand). VCF-style: chr5-122077387-C-T. GRCh37 (hg19) VCF-style: chr5-121413082-C-T.
Other names: short protein forms R200Q.
Identifiers: ClinVar variation 2566462 (VCV002566462.2), dbSNP rs768995006, ClinGen allele CA3384004.
Genomic context (GRCh38, chr5:122,077,387, plus strand): 5'-TGCTTCCAGCGGACTTGGGGGTACTTACCGTACTGGAAGTAGCCAGTGCCGTATCCGGGC[C>T]GGTACCTGCCCCCAGGTCTGGGCCTTTCATAAGTATCGTAGTAGTTGTAATAAGGGTTGT-3'
Protein context (NP_002308.2, residues 190-210): YERPRPGGRY[Arg200Gln]PGYGTGYFQY